The following is an entry in ClinVar:

NM_198578.4(LRRK2):c.4880C>T (p.Ser1627Leu)

Gene: LRRK2 (leucine rich repeat kinase 2; plus strand). Cytogenetic location: 12q12.
Variant type: single nucleotide variant.
Coding change: c.4880C>T on transcript NM_198578.4 (MANE Select); coding-DNA position 4880, C replaced by T.
Protein change: p.Ser1627Leu; replaces serine 1627 with leucine.
Molecular consequence: missense variant.
Genome position (GRCh38, 1-based): chr12:40,320,040, C>T. VCF-style: chr12-40320040-C-T. GRCh37 (hg19) VCF-style: chr12-40713842-C-T.
Other names: short protein forms S1627L.
Identifiers: ClinVar variation 4737628 (VCV004737628.1).
Genomic context (GRCh38, chr12:40,320,040, plus strand): 5'-TCTTTCAGATTTTGACAGTGAAAGTGGAAGGTTGTCCAAAACACCCTAAGGGCATTATTT[C>T]GCGTAGAGATGTGGAAAAATTTCTTTCAAAAAAAAGGAAATTTCCAAAGAACTACATGTC-3'
Protein context (NP_940980.4, residues 1617-1637): GCPKHPKGII[Ser1627Leu]RRDVEKFLSK

ClinVar aggregate classification (germline): Uncertain significance (1 of 4 stars; one submission).

Conditions:
Autosomal dominant Parkinson disease 8. Also called: Parkinson disease 8, susceptibility to; LRRK2-Related Parkinson Disease; Parkinson disease 8. Identifiers: Orphanet 411602, MedGen C1846862, MONDO:0011764, OMIM 607060.

gnomAD v4.1: 17 of 1,611,336 alleles (0.0011%); highest among the groups gnomAD compares: East Asian, 0.0045%; no homozygotes.

Submission:

Labcorp Genetics (formerly Invitae), Labcorp
Classification: Uncertain significance for Autosomal dominant Parkinson disease 8. Last evaluated: 2025-03-19. Review status: criteria provided, single submitter. Criteria: Invitae Variant Classification Sherloc (09022015). Collection method: clinical testing. Allele origin: germline.
Comment: This sequence change replaces serine, which is neutral and polar, with leucine, which is neutral and non-polar, at codon 1627 of the LRRK2 protein (p.Ser1627Leu). This variant is present in population databases (rs201637880, gnomAD 0.005%). This missense change has been observed in individual(s) with clinical features of Parkinson disease (PMID: 29029963; internal data). Invitae Evidence Modeling of protein sequence and biophysical properties (such as structural, functional, and spatial information, amino acid conservation, physicochemical variation, residue mobility, and thermodynamic stability) has been performed for this missense variant. However, the output from this modeling did not meet the statistical confidence thresholds required to predict the impact of this variant on LRRK2 protein function. In summary, the available evidence is currently insufficient to determine the role of this variant in disease. Therefore, it has been classified as a Variant of Uncertain Significance.

Literature cited by the submitters: PubMed 29029963.